The following is an entry in ClinVar:

ClinVar aggregate classification (germline): Uncertain significance (1 of 4 stars; one submission).

Submission:

Labcorp Genetics (formerly Invitae), Labcorp
Classification: Uncertain significance. Last evaluated: 2023-05-29. Review status: criteria provided, single submitter. Criteria: Invitae Variant Classification Sherloc (09022015). Collection method: clinical testing. Allele origin: germline.
Comment: This variant has not been reported in the literature in individuals affected with SLC25A3-related conditions. An algorithm developed to predict the effect of missense changes on protein structure and function (PolyPhen-2) suggests that this variant is likely to be disruptive. In summary, the available evidence is currently insufficient to determine the role of this variant in disease. Therefore, it has been classified as a Variant of Uncertain Significance. This variant is not present in population databases (gnomAD no frequency). This sequence change replaces aspartic acid, which is acidic and polar, with glutamic acid, which is acidic and polar, at codon 87 of the SLC25A3 protein (p.Asp87Glu).

NM_005888.4(SLC25A3):c.261T>G (p.Asp87Glu)

Genes: SLC25A3 (solute carrier family 25 member 3; plus strand), LOC130008523 (ATAC-STARR-seq lymphoblastoid active region 6847; plus strand). Cytogenetic location: 12q23.1.
Variant type: single nucleotide variant.
Coding change: c.261T>G on transcript NM_005888.4 (MANE Plus Clinical); coding-DNA position 261, T replaced by G.
Protein change: p.Asp87Glu; replaces aspartic acid 87 with glutamic acid.
Molecular consequence: missense variant. On other transcripts: intron variant (2).
Genome position (GRCh38, 1-based): chr12:98,595,536, T>G. VCF-style: chr12-98595536-T-G. GRCh37 (hg19) VCF-style: chr12-98989314-T-G.
Other names: c.158-191T>G (NM_213611.3, NM_002635.4); short protein forms D87E.
Identifiers: ClinVar variation 2790332 (VCV002790332.3), dbSNP rs2548526636, ClinGen allele CA386163928.